The following is an entry in ClinVar:

ClinVar aggregate classification (germline): Benign/Likely benign. Review status: criteria provided, multiple submitters, no conflicts (2 of 4 stars). 4 submissions from 4 submitters: Benign (1); Likely benign (2). 1 of the submissions does not count toward it. Last evaluated 2026-04-23.

Conditions:
Colorectal cancer, susceptibility to, 1. Also called: COLORECTAL ADENOMA AND CANCER, SUSCEPTIBILITY TO; COLORECTAL CANCER, SUSCEPTIBILITY TO, ON CHROMOSOME 9. Identifiers: MedGen C1837315, MONDO:0012132, OMIM 608812.
GALNT12-related disorder. Also called: GALNT12-related condition.

Allele frequency attached by ClinVar (database versions not stated): ExAC 0.00011; gnomAD exomes 0.00003; TOPMed 0.00002; gnomAD 0.00004.
gnomAD v4.1: 47 of 1,570,294 alleles (0.003%); highest among the groups gnomAD compares: Non-Finnish European, 0.004%; no homozygotes.

Submissions (4):

Myriad Genetics, Inc.
Classification: Benign for Colorectal cancer, susceptibility to, 1. Last evaluated: 2026-04-23. Review status: criteria provided, single submitter. Criteria: Myriad Autosomal Dominant, Autosomal Recessive and X-Linked Classification Criteria (2023). Collection method: clinical testing. Allele origin: unknown.
Comment: This variant is considered benign. This variant is a silent/synonymous amino acid change and it is not expected to impact splicing.

Labcorp Genetics (formerly Invitae), Labcorp
Classification: Likely benign. Last evaluated: 2026-01-17. Review status: criteria provided, single submitter. Criteria: Invitae Variant Classification Sherloc (09022015). Collection method: clinical testing. Allele origin: germline.

Ambry Genetics
Classification: Likely benign. Last evaluated: 2020-01-16. Review status: criteria provided, single submitter. Criteria: Ambry Variant Classification Scheme 2023. Collection method: clinical testing. Allele origin: germline.

PreventionGenetics, part of Exact Sciences
Classification: Likely benign for GALNT12-related condition. Last evaluated: 2022-12-15. Review status: no assertion criteria provided. Collection method: clinical testing. Allele origin: germline. Not counted in ClinVar's aggregate classification.
Comment: This variant is classified as likely benign based on ACMG/AMP sequence variant interpretation guidelines (Richards et al. 2015 PMID: 25741868, with internal and published modifications).

NM_024642.5(GALNT12):c.321C>T (p.Leu107=)

Gene: GALNT12 (polypeptide N-acetylgalactosaminyltransferase 12; plus strand). Cytogenetic location: 9q22.33.
Variant type: single nucleotide variant.
Coding change: c.321C>T on transcript NM_024642.5 (MANE Select); coding-DNA position 321, C replaced by T.
Protein change: p.Leu107=; no amino-acid change (leucine 107 retained).
Molecular consequence: synonymous variant.
Genome position (GRCh38, 1-based): chr9:98,808,019, C>T. VCF-style: chr9-98808019-C-T. GRCh37 (hg19) VCF-style: chr9-101570301-C-T.
Identifiers: ClinVar variation 701863 (VCV000701863.16), dbSNP rs748389861, ClinGen allele CA5153909.
Genomic context (GRCh38, chr9:98,808,019, plus strand): 5'-GGGCGAGGAGCTGCGGCTGCAGGAGGAGAGCGTGCGGCTGCACCAGATTAACATCTACCT[C>T]AGCGACCGCATCTCACTGCACCGCCGCCTGCCCGAGCGCTGGAACCCGCTGTGAGTGCAC-3'
Protein context (NP_078918.3, residues 97-117): SVRLHQINIY[Leu107=]SDRISLHRRL